The following is an entry in ClinVar:

ClinVar aggregate classification (germline): Uncertain significance (1 of 4 stars; one submission).

Submission:

GeneDx
Classification: Uncertain significance. Last evaluated: 2022-11-22. Review status: criteria provided, single submitter. Criteria: GeneDx Variant Classification Process June 2021. Collection method: clinical testing. Allele origin: germline. Affected: yes.
Comment: Not observed at significant frequency in large population cohorts (gnomAD); In silico analysis supports that this missense variant has a deleterious effect on protein structure/function; Has not been previously published as pathogenic or benign to our knowledge

NM_001303052.2(MYT1L):c.107G>A (p.Cys36Tyr)

Gene: MYT1L (myelin transcription factor 1 like; minus strand). Cytogenetic location: 2p25.3.
Variant type: single nucleotide variant.
Coding change: c.107G>A on transcript NM_001303052.2 (MANE Select); coding-DNA position 107, G replaced by A.
Protein change: p.Cys36Tyr; replaces cysteine 36 with tyrosine.
Molecular consequence: missense variant.
Genome position (GRCh38, 1-based): chr2:1,979,210, C>T on the plus strand (G>A on the coding strand, the complement: MYT1L is on the minus strand). VCF-style: chr2-1979210-C-T. GRCh37 (hg19) VCF-style: chr2-1982982-C-T.
Other names: c.107G>A, p.Cys36Tyr (NM_001329844.2, NM_001329845.1, NM_001329846.3 and 6 more transcripts); short protein forms C36Y.
Identifiers: ClinVar variation 1802103 (VCV001802103.1), dbSNP rs2551229382, ClinGen allele CA345864922.